The following is an entry in ClinVar:

NM_000255.4(MMUT):c.198del (p.Ile67fs)

Gene: MMUT (methylmalonyl-CoA mutase; minus strand). Cytogenetic location: 6p12.3.
Variant type: Deletion.
Coding change: c.198del on transcript NM_000255.4 (MANE Select); coding-DNA position 198, one base deleted (G; older notation c.198delG).
Protein change: p.Ile67fs; shifts the reading frame from isoleucine 67.
Molecular consequence: frameshift variant.
Genome position (GRCh38, 1-based): chr6:49,459,269, C deleted on the plus strand (G on the coding strand, the reverse complement: MMUT is on the minus strand); the first of 3 consecutive C bases (chr6:49,459,269-49,459,271); deleting any one gives the same sequence. VCF-style (leftmost placement, unchanged base first): chr6-49459268-TC-T. GRCh37 (hg19) VCF-style: chr6-49426981-TC-T.
Other names: c.198delG (NM_000255.3); short protein forms I67fs.
Identifiers: ClinVar variation 2996478 (VCV002996478.4), dbSNP rs1315464682, ClinGen allele CA567156061.

ClinVar aggregate classification (germline): Pathogenic. Review status: criteria provided, multiple submitters, no conflicts (2 of 4 stars). 2 submissions from 2 submitters: Pathogenic (2). Last evaluated 2025-12-19.

Conditions:
Methylmalonic aciduria due to complete methylmalonyl-CoA mutase deficiency.

Submissions (2):

Natera, Inc.
Classification: Pathogenic for Methylmalonic aciduria due to complete methylmalonyl-CoA mutase deficiency. Last evaluated: 2025-12-19. Review status: criteria provided, single submitter. Criteria: Natera Variant Classification Schema (03/2026). Collection method: clinical testing. Allele origin: germline.
Comment: The c.198delG variant in MMUT is a frameshift variant predicted to shift the reading frame beginning at codon 67 and leads to a stop codon 3 codons downstream. This variant is expected to result in nonsense mediated decay, truncation, or a dysfunctional protein product. This variant is rare in the general population with a frequency below the threshold expected for the associated phenotype(s). This variant has been observed in one or more individuals affected with the associated recessive disease, as either homozygous or compound heterozygous with a second variant (PMID: 32754920). Given the available evidence, this variant is classified as Pathogenic.

Labcorp Genetics (formerly Invitae), Labcorp
Classification: Pathogenic. Last evaluated: 2024-02-09. Review status: criteria provided, single submitter. Criteria: Invitae Variant Classification Sherloc (09022015). Collection method: clinical testing. Allele origin: germline.
Comment: This sequence change creates a premature translational stop signal (p.Ile67Serfs*3) in the MUT gene. It is expected to result in an absent or disrupted protein product. Loss-of-function variants in MUT are known to be pathogenic (PMID: 15781192). This variant is present in population databases (no rsID available, gnomAD 0.0009%). This premature translational stop signal has been observed in individual(s) with methylmalonic acidemia (PMID: 32754920). For these reasons, this variant has been classified as Pathogenic.

Literature cited by the submitters: PubMed 32754920 (cited by Natera, Inc. and Labcorp Genetics (formerly Invitae), Labcorp); PubMed 15781192 (cited by Labcorp Genetics (formerly Invitae), Labcorp).